The following is an entry in ClinVar:

ClinVar aggregate classification (germline): Uncertain significance (1 of 4 stars; one submission).

Conditions:
Imerslund-Grasbeck syndrome. Also called: Megaloblastic anemia due to inborn errors of metabolism; Imerslund-Gräsbeck syndrome; ENTEROCYTE COBALAMIN MALABSORPTION; ENTEROCYTE INTRINSIC FACTOR RECEPTOR, DEFECT OF; PERNICIOUS ANEMIA, JUVENILE, DUE TO SELECTIVE INTESTINAL MALABSORPTION OF VITAMIN B12, WITH PROTEINURIA. Identifiers: Orphanet 35858, MedGen C4551825, MONDO:0009853.

Allele frequency attached by ClinVar (database versions not stated): gnomAD exomes below 0.00001 and 0.00001; gnomAD 0.00001; ESP Exome Variant Server 0.00015.
gnomAD v4.1: 13 of 1,613,094 alleles (0.00081%); highest among the groups gnomAD compares: African/African-American, 0.004%; no homozygotes.

Submission:

Labcorp Genetics (formerly Invitae), Labcorp
Classification: Uncertain significance for Imerslund-Grasbeck syndrome. Last evaluated: 2025-06-12. Review status: criteria provided, single submitter. Criteria: Invitae Variant Classification Sherloc (09022015). Collection method: clinical testing. Allele origin: germline.
Comment: This sequence change replaces methionine, which is neutral and non-polar, with valine, which is neutral and non-polar, at codon 3145 of the CUBN protein (p.Met3145Val). This variant is present in population databases (rs367575656, gnomAD 0.0009%). This variant has not been reported in the literature in individuals affected with CUBN-related conditions. ClinVar contains an entry for this variant (Variation ID: 1389983). Invitae Evidence Modeling of protein sequence and biophysical properties (such as structural, functional, and spatial information, amino acid conservation, physicochemical variation, residue mobility, and thermodynamic stability) indicates that this missense variant is not expected to disrupt CUBN protein function with a negative predictive value of 80%. In summary, the available evidence is currently insufficient to determine the role of this variant in disease. Therefore, it has been classified as a Variant of Uncertain Significance.

NM_001081.4(CUBN):c.9433A>G (p.Met3145Val)

Gene: CUBN (cubilin; minus strand). Cytogenetic location: 10p13.
Variant type: single nucleotide variant.
Coding change: c.9433A>G on transcript NM_001081.4 (MANE Select); coding-DNA position 9433, A replaced by G.
Protein change: p.Met3145Val; replaces methionine 3145 with valine.
Molecular consequence: missense variant.
Genome position (GRCh38, 1-based): chr10:16,869,657, T>C on the plus strand (A>G on the coding strand, the complement: CUBN is on the minus strand). VCF-style: chr10-16869657-T-C. GRCh37 (hg19) VCF-style: chr10-16911656-T-C.
Other names: short protein forms M3145V.
Identifiers: ClinVar variation 1389983 (VCV001389983.6), dbSNP rs367575656, ClinGen allele CA203563766.